The following is an entry in ClinVar:

ClinVar aggregate classification (germline): Pathogenic/Likely pathogenic. Review status: criteria provided, multiple submitters, no conflicts (2 of 4 stars). 2 submissions from 2 submitters: Pathogenic (1); Likely pathogenic (1). Last evaluated 2025-07-24.

Conditions:
LOXHD1-related disorder. Also called: LOXHD1-related condition.

gnomAD v4.1: 5 of 1,551,694 alleles (0.00032%); highest among the groups gnomAD compares: Non-Finnish European, 0.00044%; no homozygotes.

Submissions (2):

PreventionGenetics, part of Exact Sciences
Classification: Likely pathogenic for LOXHD1-related condition. Last evaluated: 2025-07-24. Review status: criteria provided, single submitter. Criteria: ACMG Guidelines, 2015. Collection method: clinical testing. Allele origin: germline.
Comment: The LOXHD1 c.3847G>T variant is predicted to result in premature protein termination (p.Glu1283*). To our knowledge, this variant has not been reported in the literature or in a large population database (gnomAD), indicating this variant is rare. Nonsense variants in LOXHD1 are expected to be pathogenic. This variant is interpreted as likely pathogenic.

Labcorp Genetics (formerly Invitae), Labcorp
Classification: Pathogenic. Last evaluated: 2021-04-10. Review status: criteria provided, single submitter. Criteria: Invitae Variant Classification Sherloc (09022015). Collection method: clinical testing. Allele origin: germline.
Comment: This sequence change creates a premature translational stop signal (p.Glu1283*) in the LOXHD1 gene. It is expected to result in an absent or disrupted protein product. Loss-of-function variants in LOXHD1 are known to be pathogenic (PMID: 19732867, 21465660, 25792669). For these reasons, this variant has been classified as Pathogenic. This variant has not been reported in the literature in individuals with LOXHD1-related conditions. This variant is not present in population databases (ExAC no frequency).

Literature cited by the submitters: PubMed 19732867 (cited by Labcorp Genetics (formerly Invitae), Labcorp); PubMed 21465660 (cited by Labcorp Genetics (formerly Invitae), Labcorp); PubMed 25792669 (cited by Labcorp Genetics (formerly Invitae), Labcorp).

NM_001384474.1(LOXHD1):c.3847G>T (p.Glu1283Ter)

Gene: LOXHD1 (lipoxygenase homology PLAT domains 1; minus strand). Cytogenetic location: 18q21.1.
Variant type: single nucleotide variant.
Coding change: c.3847G>T on transcript NM_001384474.1 (MANE Select); coding-DNA position 3847, G replaced by T.
Protein change: p.Glu1283Ter; replaces glutamic acid 1283 with a stop codon.
Molecular consequence: nonsense.
Genome position (GRCh38, 1-based): chr18:46,541,842, C>A on the plus strand (G>T on the coding strand, the complement: LOXHD1 is on the minus strand). VCF-style: chr18-46541842-C-A. GRCh37 (hg19) VCF-style: chr18-44121805-C-A.
Other names: c.3847G>T (NM_144612.6); c.514G>T, p.Glu172Ter (NM_001145472.3); c.226G>T, p.Glu76Ter (NM_001308013.2); c.3847G>T, p.Glu1283Ter (NM_144612.7); short protein forms E172*, E1283*, E76*.
Identifiers: ClinVar variation 1405586 (VCV001405586.7), dbSNP rs373541883, ClinGen allele CA402377518.